The following is an entry in ClinVar:

NM_206933.4(USH2A):c.6300C>T (p.Gly2100=)

Gene: USH2A (usherin; minus strand). Cytogenetic location: 1q41.
Variant type: single nucleotide variant.
Coding change: c.6300C>T on transcript NM_206933.4 (MANE Select); coding-DNA position 6300, C replaced by T.
Protein change: p.Gly2100=; no amino-acid change (glycine 2100 retained).
Molecular consequence: synonymous variant.
Genome position (GRCh38, 1-based): chr1:216,046,456, G>A on the plus strand (C>T on the coding strand, the complement: USH2A is on the minus strand). VCF-style: chr1-216046456-G-A. GRCh37 (hg19) VCF-style: chr1-216219798-G-A.
Identifiers: ClinVar variation 3905804 (VCV003905804.10).

ClinVar aggregate classification (germline): Uncertain significance (1 of 4 stars; one submission).

gnomAD v4.1: 1 of 1,613,330 alleles (0.000062%); no homozygotes.

Submission:

CeGaT Center for Human Genetics Tuebingen
Classification: Uncertain significance. Last evaluated: 2025-05-01. Review status: criteria provided, single submitter. Criteria: CeGaT Center For Human Genetics Tuebingen Variant Classification Criteria Version 2. Collection method: clinical testing. Allele origin: germline. Affected: yes. Observed: 1 variant allele.
Comment: USH2A: PM2:Supporting